The following is an entry in ClinVar:

NM_006231.4(POLE):c.1098T>C (p.Phe366=)

Gene: POLE (DNA polymerase epsilon, catalytic subunit; minus strand). Cytogenetic location: 12q24.33.
Variant type: single nucleotide variant.
Coding change: c.1098T>C on transcript NM_006231.4 (MANE Select); coding-DNA position 1098, T replaced by C.
Protein change: p.Phe366=; no amino-acid change (phenylalanine 366 retained).
Molecular consequence: synonymous variant.
Genome position (GRCh38, 1-based): chr12:132,675,743, A>G on the plus strand (T>C on the coding strand, the complement: POLE is on the minus strand). VCF-style: chr12-132675743-A-G. GRCh37 (hg19) VCF-style: chr12-133252329-A-G.
Identifiers: ClinVar variation 1791336 (VCV001791336.3), dbSNP rs2136011031, ClinGen allele CA482849713.
Genomic context (GRCh38, chr12:132,675,743, plus strand): 5'-GCCCTCCCTCTCAAATGCTGCCCAGTTACTCATAGAGAAGACACAGACTCACCAGTCAAA[A>G]AAGTCCCCGTTGTAGGTGACCATGATGGTGGGTTTGGTCTCCTGGACGTGTTCAAACCAC-3'
Protein context (NP_006222.2, residues 356-376): PTIMVTYNGD[Phe366=]FDWPFVEARA

ClinVar aggregate classification (germline): Benign/Likely benign. Review status: criteria provided, multiple submitters, no conflicts (2 of 4 stars). 2 submissions from 2 submitters: Benign (1); Likely benign (1). Last evaluated 2025-02-10.

Conditions:
Hereditary cancer-predisposing syndrome. Also called: Hereditary Cancer Syndrome; Hereditary neoplastic syndrome; Tumor predisposition; Neoplastic Syndromes, Hereditary. Identifiers: Orphanet 140162, MedGen C0027672, MeSH D009386, MONDO:0015356.
Colorectal cancer, susceptibility to, 12 (CRCS12). Also called: COLORECTAL CANCER, SUSCEPTIBILITY TO, ON CHROMOSOME 12q24. Identifiers: Orphanet 220460, MedGen C3554460, MONDO:0014038, OMIM 615083.

Submissions (2):

Myriad Genetics, Inc.
Classification: Benign for Colorectal cancer, susceptibility to, 12. Last evaluated: 2025-02-10. Review status: criteria provided, single submitter. Criteria: Myriad Autosomal Dominant, Autosomal Recessive and X-Linked Classification Criteria (2023). Collection method: clinical testing. Allele origin: unknown.
Comment: This variant is considered benign. This variant is a silent/synonymous amino acid change and it is not expected to impact splicing.

Ambry Genetics
Classification: Likely benign for Hereditary cancer-predisposing syndrome. Last evaluated: 2021-09-18. Review status: criteria provided, single submitter. Criteria: Ambry Variant Classification Scheme 2023. Collection method: clinical testing. Allele origin: germline.